The following is an entry in ClinVar:

ClinVar aggregate classification (germline): Likely benign (1 of 4 stars; one submission).

Allele frequency attached by ClinVar (database versions not stated): gnomAD exomes below 0.00001; ExAC 0.00001.

Submission:

CeGaT Center for Human Genetics Tuebingen
Classification: Likely benign. Last evaluated: 2023-09-01. Review status: criteria provided, single submitter. Criteria: CeGaT Center For Human Genetics Tuebingen Variant Classification Criteria Version 2. Collection method: clinical testing. Allele origin: germline. Affected: yes. Observed: 2 variant alleles.
Comment: SHROOM4: BP4, BP7

NM_020717.5(SHROOM4):c.3498A>G (p.Ser1166=)

Gene: SHROOM4 (shroom family member 4; minus strand). Cytogenetic location: Xp11.22.
Variant type: single nucleotide variant.
Coding change: c.3498A>G on transcript NM_020717.5 (MANE Select); coding-DNA position 3498, A replaced by G.
Protein change: p.Ser1166=; no amino-acid change (serine 1166 retained).
Molecular consequence: synonymous variant. On other transcripts: non-coding transcript variant (4).
Genome position (GRCh38, 1-based): chrX:50,607,644, T>C on the plus strand (A>G on the coding strand, the complement: SHROOM4 is on the minus strand). VCF-style: chrX-50607644-T-C. GRCh37 (hg19) VCF-style: chrX-50350644-T-C.
Identifiers: ClinVar variation 2660559 (VCV002660559.24), dbSNP rs781906525, ClinGen allele CA10415944.